The following is an entry in ClinVar:

NM_007294.4(BRCA1):c.5412C>T (p.Val1804=)

Gene: BRCA1 (BRCA1 DNA repair associated; minus strand). Cytogenetic location: 17q21.31.
Variant type: single nucleotide variant.
Coding change: c.5412C>T on transcript NM_007294.4 (MANE Select); coding-DNA position 5412, C replaced by T.
Protein change: p.Val1804=; no amino-acid change (valine 1804 retained).
Molecular consequence: synonymous variant. On other transcripts: missense variant (17).
Genome position (GRCh38, 1-based): chr17:43,047,698, G>A on the plus strand (C>T on the coding strand, the complement: BRCA1 is on the minus strand). VCF-style: chr17-43047698-G-A. GRCh37 (hg19) VCF-style: chr17-41199715-G-A.
Other names: p.V1804V:GTC>GTT; c.5199C>T, p.Val1733= (NM_001407571.1, NM_001407896.1, NM_001407897.1 and 12 more transcripts); c.5478C>T, p.Val1826= (NM_001407581.1, NM_001407582.1); c.5475C>T, p.Val1825= (NM_001407583.1, NM_001407585.1, NM_001407587.1 and 1 more transcripts); c.5472C>T, p.Val1824= (NM_001407590.1, NM_001407591.1); c.5412C>T, p.Val1804= (NM_001407593.1, NM_001407594.1, NM_001407596.1 and 5 more transcripts); c.5409C>T, p.Val1803= (NM_001407610.1, NM_001407611.1, NM_001407612.1 and 14 more transcripts); c.5406C>T, p.Val1802= (NM_001407627.1, NM_001407628.1, NM_001407629.1 and 13 more transcripts); and 85 more; short protein forms P676S, P1732S, P1778S, P675S, P1733S, P1737S, P1739S, P1779S.
Identifiers: ClinVar variation 182098 (VCV000182098.59), dbSNP rs730881456, ClinGen allele CA003577.
Genomic context (GRCh38, chr17:43,047,698, plus strand): 5'-CTTACCATGGAAGCCATTGTCCTCTGTCCAGGCATCTGGCTGCACAACCACAATTGGGTG[G>A]ACACCCTGGATCCCCAGGAAGGAAAGAGCATTCAAAGTGTCAAAGTAGGACTACTGGAAC-3'
Protein context (NP_009225.1, residues 1794-1814): ELSSFTLGTG[Val1804=]HPIVVVQPDA

ClinVar aggregate classification (germline): Likely benign. Review status: reviewed by expert panel (3 of 4 stars). 14 submissions from 14 submitters: Likely benign (1). 13 of the submissions do not count toward it. Last evaluated 2017-06-29.

Conditions:
BRCA1-related disorder. Also called: BRCA1-related condition.
Breast and/or ovarian cancer. Identifiers: MedGen CN221562.
Hereditary cancer-predisposing syndrome. Also called: Tumor predisposition; Neoplastic Syndromes, Hereditary; Hereditary Cancer Syndrome; Hereditary neoplastic syndrome. Identifiers: Orphanet 140162, MedGen C0027672, MeSH D009386, MONDO:0015356.
Hereditary breast ovarian cancer syndrome. Also called: Hereditary breast and ovarian cancer; Hereditary breast and ovarian cancer syndrome (HBOC); Breast and ovarian cancer; Hereditary breast and/or ovarian cancer syndrome; BRCA1- and BRCA2-Associated Hereditary Breast and Ovarian Cancer; Hereditary breast and ovarian cancer syndrome. Identifiers: Orphanet 145, MedGen C0677776, MeSH D061325, MONDO:0003582. Disease mechanism: loss of function.
Breast-ovarian cancer, familial, susceptibility to, 1 (BROVCA1). Also called: OVARIAN CANCER, SUSCEPTIBILITY TO; BRCA1 Hereditary Breast and Ovarian Cancer. Identifiers: Orphanet 145, MedGen C2676676, MONDO:0011450, OMIM 604370. Disease mechanism: loss of function.

Allele frequency attached by ClinVar (database versions not stated): ExAC 0.00001; gnomAD 0.00001; gnomAD exomes 0.00001; TOPMed 0.00003.
gnomAD v4.1: 15 of 1,614,066 alleles (0.00093%); highest among the groups gnomAD compares: Admixed American, 0.005%; no homozygotes.

Submissions (15):

Evidence-based Network for the Interpretation of Germline Mutant Alleles (ENIGMA)
Classification: Likely benign for Breast-ovarian cancer, familial, susceptibility to, 1. Last evaluated: 2017-06-29. Review status: reviewed by expert panel. Criteria: ENIGMA BRCA1/2 Classification Criteria (2017-06-29). Collection method: curation. Allele origin: germline.
Comment: Synonymous substitution variant, with low bioinformatic likelihood to result in a splicing aberration (Splicing prior probability 0.02).

Dasa
Classification: Benign. Last evaluated: 2025-12-30. Review status: criteria provided, single submitter. Criteria: DASA Assertion Criteria. Collection method: clinical testing. Allele origin: germline. Not counted in ClinVar's aggregate classification.
Comment: NM_007299.4(BRCA1):c.2026C>T (p.Pro676Ser) is interpreted as benign based on a combination of available evidence, including evidence supporting intact protein function, in silico models suggesting no deleterious effect, and the mechanism of disease or impacted region being inconsistent with a known cause of pathogenicity. Based on the available data, this variant is classified as benign.

Labcorp Genetics (formerly Invitae), Labcorp
Classification: Likely benign for Hereditary breast ovarian cancer syndrome. Last evaluated: 2025-12-03. Review status: criteria provided, single submitter. Criteria: Invitae Variant Classification Sherloc (09022015). Collection method: clinical testing. Allele origin: germline. Not counted in ClinVar's aggregate classification.

Center for Genomic Medicine, Rigshospitalet, Copenhagen University Hospital
Classification: Likely benign. Last evaluated: 2025-03-04. Review status: criteria provided, single submitter. Criteria: ACMG Guidelines, 2015. Collection method: clinical testing. Allele origin: germline. Not counted in ClinVar's aggregate classification.

CHEO Genetics Diagnostic Laboratory, Children's Hospital of Eastern Ontario
Classification: Likely benign for Breast and/or ovarian cancer. Last evaluated: 2023-03-03. Review status: criteria provided, single submitter. Criteria: ACMG Guidelines, 2015. Collection method: clinical testing. Allele origin: germline. Not counted in ClinVar's aggregate classification.

CeGaT Center for Human Genetics Tuebingen
Classification: Likely benign. Last evaluated: 2022-05-01. Review status: criteria provided, single submitter. Criteria: CeGaT Center For Human Genetics Tuebingen Variant Classification Criteria Version 2. Collection method: clinical testing. Allele origin: germline. Affected: yes. Observed: 1 variant allele. Not counted in ClinVar's aggregate classification.
Comment: BRCA1: BP4

Quest Diagnostics Nichols Institute San Juan Capistrano
Classification: Benign. Last evaluated: 2021-06-13. Review status: criteria provided, single submitter. Criteria: Quest Diagnostics criteria. Collection method: clinical testing. Allele origin: unknown. Not counted in ClinVar's aggregate classification.

Women's Health and Genetics/Laboratory Corporation of America, LabCorp
Classification: Benign. Last evaluated: 2019-03-15. Review status: criteria provided, single submitter. Criteria: LabCorp Variant Classification Summary - May 2015. Collection method: clinical testing. Allele origin: germline. Not counted in ClinVar's aggregate classification.
Comment: Variant summary: BRCA1 c.5412C>T alters a non-conserved nucleotide resulting in a synonymous change. 5/5 computational tools predict no significant impact on normal splicing. However, these predictions have yet to be confirmed by functional studies. The variant allele was found at a frequency of 1.8e-05 in 277420 control chromosomes (gnomAD and controls from the publication). The available data on variant occurrences in the general population are insufficient to allow any conclusion about variant significance. This variant has been reported in the literature in individuals affected with Hereditary Breast and Ovarian Cancer. The variant has been reported in the literature in individuals affected with Hereditary Breast and Ovarian Cancer, typically classified by the authors as a benign or a variant of unknown clinical significance (Judkins_2005, McKean-Cowdin_2005, Caux-Moncoutier_2011, Minucci_2015, Msolly_2015). In one study, the variant was identified within two independent families and did not cosegregate with disease, suggesting a benign impact for this variant (McKean-Cowdin_2005). At least one publication reports experimental evidence evaluating an impact on protein function (Findlay_2018). These results showed no damaging effect of this variant. Five clinical diagnostic laboratories have submitted clinical-significance assessments for this variant to ClinVar after 2014 without evidence for independent evaluation. All laboratories classified the variant as likely benign. Based on the evidence outlined above, the variant was classified as benign.

Color Diagnostics, LLC DBA Color Health
Classification: Likely benign for Hereditary cancer-predisposing syndrome. Last evaluated: 2016-11-16. Review status: criteria provided, single submitter. Criteria: ACMG Guidelines, 2015. Collection method: clinical testing. Allele origin: germline. Not counted in ClinVar's aggregate classification.

Ambry Genetics
Classification: Likely benign for Hereditary cancer-predisposing syndrome. Last evaluated: 2014-10-13. Review status: criteria provided, single submitter. Criteria: Ambry Variant Classification Scheme 2023. Collection method: clinical testing. Allele origin: germline. Not counted in ClinVar's aggregate classification.

GeneDx
Classification: Benign. Last evaluated: 2014-09-26. Review status: criteria provided, single submitter. Criteria: GeneDx Variant Classification (06012015). Collection method: clinical testing. Allele origin: germline. Affected: yes. Not counted in ClinVar's aggregate classification.
Comment: This variant is considered likely benign or benign based on one or more of the following criteria: it is a conservative change, it occurs at a poorly conserved position in the protein, it is predicted to be benign by multiple in silico algorithms, and/or has population frequency not consistent with disease.

Genetic Services Laboratory, University of Chicago
Classification: Likely benign. Last evaluated: 2022-07-18. Review status: no assertion criteria provided. Collection method: clinical testing. Allele origin: germline. Affected: no. Not counted in ClinVar's aggregate classification.

PreventionGenetics, part of Exact Sciences
Classification: Likely benign for BRCA1-related condition. Last evaluated: 2019-05-16. Review status: no assertion criteria provided. Collection method: clinical testing. Allele origin: germline. Not counted in ClinVar's aggregate classification.
Comment: This variant is classified as likely benign based on ACMG/AMP sequence variant interpretation guidelines (Richards et al. 2015 PMID: 25741868, with internal and published modifications).

Counsyl
Classification: Likely benign for Breast-ovarian cancer, familial, susceptibility to, 1. Last evaluated: 2016-05-09. Review status: no assertion criteria provided. Collection method: clinical testing. Allele origin: unknown. Not counted in ClinVar's aggregate classification.

Brotman Baty Institute, University of Washington
No classification provided (evidence only). Condition: Breast-ovarian cancer, familial 1. Review status: no classification provided. Collection method: in vitro. Allele origin: not applicable. Functional consequence: functionally_normal. Not counted in ClinVar's aggregate classification.
ClinVar note: "not provided" was previously submitted as the classification for the variant. However, the classification appeared to be based only on an observation of functional data so it was converted to no classification on 2025-07-30.

Literature cited by the submitters: PubMed 30209399 (cited by Quest Diagnostics Nichols Institute San Juan Capistrano); PubMed 15726418 (cited by 3 submitters); PubMed 16267036 (cited by 3 submitters); PubMed 26306726 (cited by Quest Diagnostics Nichols Institute San Juan Capistrano and Women's Health and Genetics/Laboratory Corporation of America, LabCorp); PubMed 21120943 (cited by Women's Health and Genetics/Laboratory Corporation of America, LabCorp).